The following is an entry in ClinVar:

NM_000264.5(PTCH1):c.3283G>C (p.Glu1095Gln)

Gene: PTCH1 (patched 1; minus strand). Cytogenetic location: 9q22.32.
Variant type: single nucleotide variant.
Coding change: c.3283G>C on transcript NM_000264.5 (MANE Select); coding-DNA position 3283, G replaced by C.
Protein change: p.Glu1095Gln; replaces glutamic acid 1095 with glutamine.
Molecular consequence: missense variant. On other transcripts: non-coding transcript variant (1).
Genome position (GRCh38, 1-based): chr9:95,456,299, C>G on the plus strand (G>C on the coding strand, the complement: PTCH1 is on the minus strand). VCF-style: chr9-95456299-C-G. GRCh37 (hg19) VCF-style: chr9-98218581-C-G.
Other names: c.3085G>C, p.Glu1029Gln (NM_001083602.3); c.3280G>C, p.Glu1094Gln (NM_001083603.3); c.2830G>C, p.Glu944Gln (NM_001083604.3, NM_001083605.3, NM_001083606.3 and 1 more transcripts); c.3283G>C (NM_000264.3); c.3127G>C, p.Glu1043Gln (NM_001354918.2); short protein forms E1029Q, E1094Q, E1095Q, E1043Q, E944Q.
Identifiers: ClinVar variation 647137 (VCV000647137.10), dbSNP rs1588535427, ClinGen allele CA374112000.

ClinVar aggregate classification (germline): Uncertain significance. Review status: criteria provided, multiple submitters, no conflicts (2 of 4 stars). 2 submissions from 2 submitters: Uncertain significance (2). Last evaluated 2025-11-14.

Conditions:
Gorlin syndrome. Also called: Basal cell nevus syndrome; Nevoid Basal Cell Carcinoma Syndrome. Identifiers: Orphanet 377, MedGen C0004779, MONDO:0007187.
Hereditary cancer-predisposing syndrome. Also called: Hereditary Cancer Syndrome; Tumor predisposition; Neoplastic Syndromes, Hereditary; Hereditary neoplastic syndrome. Identifiers: Orphanet 140162, MedGen C0027672, MeSH D009386, MONDO:0015356.

Submissions (2):

Ambry Genetics
Classification: Uncertain significance for Hereditary cancer-predisposing syndrome. Last evaluated: 2025-11-14. Review status: criteria provided, single submitter. Criteria: Ambry Variant Classification Scheme 2023. Collection method: clinical testing. Allele origin: germline.
Comment: The p.E1095Q variant (also known as c.3283G>C), located in coding exon 19 of the PTCH1 gene, results from a G to C substitution at nucleotide position 3283. The glutamic acid at codon 1095 is replaced by glutamine, an amino acid with highly similar properties. This amino acid position is highly conserved in available vertebrate species. In addition, this alteration is predicted to be deleterious by in silico analysis. Based on the available evidence, the clinical significance of this variant remains unclear.

Labcorp Genetics (formerly Invitae), Labcorp
Classification: Uncertain significance for Gorlin syndrome. Last evaluated: 2023-08-10. Review status: criteria provided, single submitter. Criteria: Invitae Variant Classification Sherloc (09022015). Collection method: clinical testing. Allele origin: germline.
Comment: This variant is not present in population databases (gnomAD no frequency). This variant has not been reported in the literature in individuals affected with PTCH1-related conditions. ClinVar contains an entry for this variant (Variation ID: 647137). Advanced modeling of protein sequence and biophysical properties (such as structural, functional, and spatial information, amino acid conservation, physicochemical variation, residue mobility, and thermodynamic stability) performed at Invitae indicates that this missense variant is not expected to disrupt PTCH1 protein function. In summary, the available evidence is currently insufficient to determine the role of this variant in disease. Therefore, it has been classified as a Variant of Uncertain Significance. This sequence change replaces glutamic acid, which is acidic and polar, with glutamine, which is neutral and polar, at codon 1095 of the PTCH1 protein (p.Glu1095Gln).